The following is an entry in ClinVar:

NM_207361.6(FREM2):c.7760C>T (p.Thr2587Ile)

Gene: FREM2 (FRAS1 related extracellular matrix 2; plus strand). Cytogenetic location: 13q13.3.
Variant type: single nucleotide variant.
Coding change: c.7760C>T on transcript NM_207361.6 (MANE Select); coding-DNA position 7760, C replaced by T.
Protein change: p.Thr2587Ile; replaces threonine 2587 with isoleucine.
Molecular consequence: missense variant.
Genome position (GRCh38, 1-based): chr13:38,864,383, C>T. VCF-style: chr13-38864383-C-T. GRCh37 (hg19) VCF-style: chr13-39438520-C-T.
Other names: short protein forms T2587I.
Identifiers: ClinVar variation 1996764 (VCV001996764.4), dbSNP rs1877879214, ClinGen allele CA387900201.

ClinVar aggregate classification (germline): Uncertain significance (1 of 4 stars; one submission).

Submission:

Labcorp Genetics (formerly Invitae), Labcorp
Classification: Uncertain significance. Last evaluated: 2022-11-15. Review status: criteria provided, single submitter. Criteria: Invitae Variant Classification Sherloc (09022015). Collection method: clinical testing. Allele origin: germline.
Comment: In summary, the available evidence is currently insufficient to determine the role of this variant in disease. Therefore, it has been classified as a Variant of Uncertain Significance. This sequence change replaces threonine, which is neutral and polar, with isoleucine, which is neutral and non-polar, at codon 2587 of the FREM2 protein (p.Thr2587Ile). This variant is not present in population databases (gnomAD no frequency). This variant has not been reported in the literature in individuals affected with FREM2-related conditions. Advanced modeling of protein sequence and biophysical properties (such as structural, functional, and spatial information, amino acid conservation, physicochemical variation, residue mobility, and thermodynamic stability) performed at Invitae indicates that this missense variant is not expected to disrupt FREM2 protein function.